The following is an entry in ClinVar:

NM_024675.4(PALB2):c.1159T>G (p.Ser387Ala)

Gene: PALB2 (partner and localizer of BRCA2; minus strand). Cytogenetic location: 16p12.2.
Variant type: single nucleotide variant.
Coding change: c.1159T>G on transcript NM_024675.4 (MANE Select); coding-DNA position 1159, T replaced by G.
Protein change: p.Ser387Ala; replaces serine 387 with alanine.
Molecular consequence: missense variant. On other transcripts: intron variant (3).
Genome position (GRCh38, 1-based): chr16:23,635,387, A>C on the plus strand (T>G on the coding strand, the complement: PALB2 is on the minus strand). VCF-style: chr16-23635387-A-C. GRCh37 (hg19) VCF-style: chr16-23646708-A-C.
Other names: c.274T>G, p.Ser92Ala (NM_001407306.1, NM_001407307.1, NM_001407308.1 and 5 more transcripts); c.48+5723T>G (NM_001407314.1); c.-104-4918T>G (NM_001407313.1, NM_001407312.1); c.1099T>G, p.Ser367Ala (NM_001407296.1); c.1159T>G, p.Ser387Ala (NM_001407297.1, NM_001407298.1, NM_001407299.1 and 3 more transcripts); short protein forms S367A, S92A, S387A.
Identifiers: ClinVar variation 5026193 (VCV005026193.1).

ClinVar aggregate classification (germline): Uncertain significance (1 of 4 stars; one submission).

Conditions:
Hereditary cancer-predisposing syndrome. Also called: Neoplastic Syndromes, Hereditary; Tumor predisposition; Hereditary neoplastic syndrome; Hereditary Cancer Syndrome. Identifiers: Orphanet 140162, MedGen C0027672, MeSH D009386, MONDO:0015356.

Submission:

Ambry Genetics
Classification: Uncertain significance for Hereditary cancer-predisposing syndrome. Last evaluated: 2026-08-19. Review status: criteria provided, single submitter. Criteria: Ambry Variant Classification Scheme 2023. Collection method: clinical testing. Allele origin: germline.
Comment: The p.S387A variant (also known as c.1159T>G), located in coding exon 4 of the PALB2 gene, results from a T to G substitution at nucleotide position 1159. The serine at codon 387 is replaced by alanine, an amino acid with similar properties. This amino acid position is conserved. In addition, this alteration is predicted to be tolerated by in silico analysis. Based on the available evidence, the clinical significance of this variant remains unclear.